The following is an entry in ClinVar:

ClinVar aggregate classification (germline): Likely benign. Review status: criteria provided, multiple submitters, no conflicts (2 of 4 stars). 3 submissions from 3 submitters: Likely benign (3). Last evaluated 2025-11-30.

Conditions:
COL4A1-related disorder. Also called: COL4A1-related disorders; COL4A1-related condition. Identifiers: MedGen CN376119, MONDO:0800461.

Allele frequency attached by ClinVar (database versions not stated): ExAC 0.00002; TOPMed 0.00002; gnomAD 0.00003 and 0.00004.
gnomAD v4.1: 67 of 1,613,958 alleles (0.0042%); highest among the groups gnomAD compares: Non-Finnish European, 0.0053%; no homozygotes.

Submissions (3):

Labcorp Genetics (formerly Invitae), Labcorp
Classification: Likely benign. Last evaluated: 2025-11-30. Review status: criteria provided, single submitter. Criteria: Invitae Variant Classification Sherloc (09022015). Collection method: clinical testing. Allele origin: germline.

Women's Health and Genetics/Laboratory Corporation of America, LabCorp
Classification: Likely benign. Last evaluated: 2025-07-21. Review status: criteria provided, single submitter. Criteria: LabCorp Variant Classification Summary - May 2015. Collection method: clinical testing. Allele origin: germline.

PreventionGenetics, part of Exact Sciences
Classification: Likely benign for COL4A1-related condition. Last evaluated: 2025-03-19. Review status: criteria provided, single submitter. Criteria: ACMG Guidelines, 2015. Collection method: clinical testing. Allele origin: germline.
Comment: This variant is classified as likely benign based on ACMG/AMP sequence variant interpretation guidelines (Richards et al. 2015 PMID: 25741868, with internal and published modifications).

NM_001845.6(COL4A1):c.429C>T (p.Phe143=)

Gene: COL4A1 (collagen type IV alpha 1 chain; minus strand). Cytogenetic location: 13q34.
Variant type: single nucleotide variant.
Coding change: c.429C>T on transcript NM_001845.6 (MANE Select); coding-DNA position 429, C replaced by T.
Protein change: p.Phe143=; no amino-acid change (phenylalanine 143 retained).
Molecular consequence: synonymous variant.
Genome position (GRCh38, 1-based): chr13:110,211,881, G>A on the plus strand (C>T on the coding strand, the complement: COL4A1 is on the minus strand). VCF-style: chr13-110211881-G-A. GRCh37 (hg19) VCF-style: chr13-110864228-G-A.
Other names: c.429C>T (NM_001845.5); c.429C>T, p.Phe143= (NM_001303110.2).
Identifiers: ClinVar variation 1629842 (VCV001629842.10), dbSNP rs774650505, ClinGen allele CA7048521.